The following is an entry in ClinVar:

ClinVar aggregate classification (germline): Conflicting classifications of pathogenicity. Review status: criteria provided, conflicting classifications (1 of 4 stars). 4 submissions from 4 submitters: Uncertain significance (1); Likely benign (3). Last evaluated 2025-12-26.

Conditions:
SLC10A2-related disorder. Also called: SLC10A2-related condition.

Allele frequency attached by ClinVar (database versions not stated): ExAC 0.00002; TOPMed 0.00005; ESP Exome Variant Server 0.00008; gnomAD 0.00010.
gnomAD v4.1: 34 of 1,613,870 alleles (0.0021%); highest among the groups gnomAD compares: African/African-American, 0.004%; no homozygotes.

Submissions (4):

Labcorp Genetics (formerly Invitae), Labcorp
Classification: Likely benign. Last evaluated: 2025-12-26. Review status: criteria provided, single submitter. Criteria: Invitae Variant Classification Sherloc (09022015). Collection method: clinical testing. Allele origin: germline.

PreventionGenetics, part of Exact Sciences
Classification: Likely benign for SLC10A2-related condition. Last evaluated: 2025-06-18. Review status: criteria provided, single submitter. Criteria: ACMG Guidelines, 2015. Collection method: clinical testing. Allele origin: germline.
Comment: This variant is classified as likely benign based on ACMG/AMP sequence variant interpretation guidelines (Richards et al. 2015 PMID: 25741868, with internal and published modifications).

Blueprint Genetics
Classification: Likely benign. Last evaluated: 2023-08-02. Review status: criteria provided, single submitter. Criteria: ACMG Guidelines, 2015. Collection method: clinical testing. Allele origin: germline.

Eurofins Ntd Llc (ga)
Classification: Uncertain significance. Last evaluated: 2017-09-18. Review status: criteria provided, single submitter. Criteria: EGL Classification Definitions 2015. Collection method: clinical testing. Allele origin: germline. Observed: 1 variant allele, 1 heterozygote.

NM_000452.3(SLC10A2):c.654C>T (p.Ser218=)

Gene: SLC10A2 (solute carrier family 10 member 2; minus strand). Cytogenetic location: 13q33.1.
Variant type: single nucleotide variant.
Coding change: c.654C>T on transcript NM_000452.3 (MANE Select); coding-DNA position 654, C replaced by T.
Protein change: p.Ser218=; no amino-acid change (serine 218 retained).
Molecular consequence: synonymous variant.
Genome position (GRCh38, 1-based): chr13:103,051,364, G>A on the plus strand (C>T on the coding strand, the complement: SLC10A2 is on the minus strand). VCF-style: chr13-103051364-G-A. GRCh37 (hg19) VCF-style: chr13-103703714-G-A.
Other names: c.654C>T (NM_000452.2).
Identifiers: ClinVar variation 594138 (VCV000594138.10), dbSNP rs140050923, ClinGen allele CA7042100.
Genomic context (GRCh38, chr13:103,051,364, plus strand): 5'-GTAACCCGCCACAGGAAATATTGTTCCTATAATCCACAGTTTGGGAGCAATGATCCAGGC[G>A]CTTTGGTACAATATTCCTCCAACCACAGCTATGAGCACAATGAGGATGGCGCCCGCGATG-3'
Protein context (NP_000443.2, residues 208-228): IAVVGGILYQ[Ser218=]AWIIAPKLWI